The following is an entry in ClinVar:

ClinVar aggregate classification (germline): Pathogenic (1 of 4 stars; one submission).

Conditions:
Congenital myasthenic syndrome 8. Also called: Myasthenic syndrome, congenital, 8, with pre- and postsynaptic defects; MYASTHENIC SYNDROME, CONGENITAL, DUE TO AGRIN DEFICIENCY. Identifiers: Orphanet 590, MedGen C3808739, MONDO:0014052, OMIM 615120.

Submission:

Labcorp Genetics (formerly Invitae), Labcorp
Classification: Pathogenic for Congenital myasthenic syndrome 8. Last evaluated: 2024-09-05. Review status: criteria provided, single submitter. Criteria: Invitae Variant Classification Sherloc (09022015). Collection method: clinical testing. Allele origin: germline.
Comment: This sequence change creates a premature translational stop signal (p.Asp359Glufs*121) in the AGRN gene. It is expected to result in an absent or disrupted protein product. Loss-of-function variants in AGRN are known to be pathogenic (PMID: 24951643). This variant is not present in population databases (gnomAD no frequency). This variant has not been reported in the literature in individuals affected with AGRN-related conditions. ClinVar contains an entry for this variant (Variation ID: 1454812). For these reasons, this variant has been classified as Pathogenic.

Literature cited by the submitters: PubMed 24951643.

NM_198576.4(AGRN):c.1077_1083del (p.Asp359fs)

Gene: AGRN (agrin; plus strand). Cytogenetic location: 1p36.33.
Variant type: Deletion.
Coding change: c.1077_1083del on transcript NM_198576.4 (MANE Select); coding-DNA positions 1077 to 1083, 7 bases deleted (CGACGGA; older notation c.1077_1083delCGACGGA).
Protein change: p.Asp359fs; shifts the reading frame from aspartic acid 359.
Molecular consequence: frameshift variant.
Genome position (GRCh38, 1-based): chr1:1,041,602-1,041,608, CGACGGA deleted; deleting any 7 consecutive bases within chr1:1,041,599-1,041,608 gives the same sequence; the c. name uses the placement nearest the transcript's 3' end. VCF-style (leftmost placement, unchanged base first): chr1-1041598-GGGACGAC-G. GRCh37 (hg19) VCF-style: chr1-976978-GGGACGAC-G.
Other names: c.1077_1083del, p.Asp359fs (NM_001305275.2); c.762_768del, p.Asp254fs (NM_001364727.2); short protein forms D254fs, D359fs.
Identifiers: ClinVar variation 1454812 (VCV001454812.6), dbSNP rs2100635216, ClinGen allele CA2573130445.